The following is an entry in ClinVar:

ClinVar aggregate classification (germline): Uncertain significance (1 of 4 stars; one submission).

Allele frequency attached by ClinVar (database versions not stated): gnomAD exomes below 0.00001.
gnomAD v4.1: 1 of 1,592,336 alleles (0.000063%); highest among the groups gnomAD compares: Non-Finnish European, 0.000085%; no homozygotes.

Submission:

Labcorp Genetics (formerly Invitae), Labcorp
Classification: Uncertain significance. Last evaluated: 2022-09-19. Review status: criteria provided, single submitter. Criteria: Invitae Variant Classification Sherloc (09022015). Collection method: clinical testing. Allele origin: germline.
Comment: In summary, the available evidence is currently insufficient to determine the role of this variant in disease. Therefore, it has been classified as a Variant of Uncertain Significance. Advanced modeling of protein sequence and biophysical properties (such as structural, functional, and spatial information, amino acid conservation, physicochemical variation, residue mobility, and thermodynamic stability) performed at Invitae indicates that this missense variant is not expected to disrupt HTRA2 protein function. ClinVar contains an entry for this variant (Variation ID: 1367274). This variant has not been reported in the literature in individuals affected with HTRA2-related conditions. This variant is not present in population databases (gnomAD no frequency). This sequence change replaces proline, which is neutral and non-polar, with leucine, which is neutral and non-polar, at codon 129 of the HTRA2 protein (p.Pro129Leu).

NM_013247.5(HTRA2):c.386C>T (p.Pro129Leu)

Gene: HTRA2 (HtrA serine peptidase 2; plus strand). Cytogenetic location: 2p13.1.
Variant type: single nucleotide variant.
Coding change: c.386C>T on transcript NM_013247.5 (MANE Select); coding-DNA position 386, C replaced by T.
Protein change: p.Pro129Leu; replaces proline 129 with leucine.
Molecular consequence: missense variant. On other transcripts: non-coding transcript variant (1).
Genome position (GRCh38, 1-based): chr2:74,530,392, C>T. VCF-style: chr2-74530392-C-T. GRCh37 (hg19) VCF-style: chr2-74757519-C-T.
Other names: c.386C>T, p.Pro129Leu (NM_001321727.1, NM_001321728.1, NM_145074.2); short protein forms P129L.
Identifiers: ClinVar variation 1367274 (VCV001367274.6), dbSNP rs2104367402, ClinGen allele CA347378074.